The following is an entry in ClinVar:

ClinVar aggregate classification (germline): Uncertain significance. Review status: criteria provided, multiple submitters, no conflicts (2 of 4 stars). 4 submissions from 3 submitters: Uncertain significance (4). Last evaluated 2023-11-04.

Conditions:
Usher syndrome type 2A. Also called: RETINAL DISEASE IN USHER SYNDROME TYPE IIA, MODIFIER OF; USHER SYNDROME, TYPE IIA. Identifiers: Orphanet 231178, Orphanet 886, MedGen C1848634, MONDO:0010169, OMIM 276901.
Retinitis pigmentosa 39 (RP39). Identifiers: Orphanet 791, MedGen C3151138, MONDO:0013436, OMIM 613809.

Allele frequency attached by ClinVar (database versions not stated): gnomAD exomes 0.00003; gnomAD 0.00005; ExAC 0.00007; ESP Exome Variant Server 0.00008.
gnomAD v4.1: 58 of 1,614,064 alleles (0.0036%); highest among the groups gnomAD compares: Middle Eastern, 0.033%; no homozygotes.

Submissions (4):

Genome-Nilou Lab
Classification: Uncertain significance for Retinitis pigmentosa 39. Last evaluated: 2023-11-04. Review status: criteria provided, single submitter. Criteria: ACMG Guidelines, 2015. Collection method: clinical testing. Allele origin: germline. Affected: no.

Genome-Nilou Lab
Classification: Uncertain significance for Usher syndrome type 2A. Last evaluated: 2023-11-04. Review status: criteria provided, single submitter. Criteria: ACMG Guidelines, 2015. Collection method: clinical testing. Allele origin: germline. Affected: no.

GeneDx
Classification: Uncertain significance. Last evaluated: 2023-03-21. Review status: criteria provided, single submitter. Criteria: GeneDx Variant Classification Process June 2021. Collection method: clinical testing. Allele origin: germline. Affected: yes.
Comment: In silico analysis supports that this missense variant does not alter protein structure/function; Has not been previously published as pathogenic or benign to our knowledge

Labcorp Genetics (formerly Invitae), Labcorp
Classification: Uncertain significance. Last evaluated: 2022-06-18. Review status: criteria provided, single submitter. Criteria: Invitae Variant Classification Sherloc (09022015). Collection method: clinical testing. Allele origin: germline.
Comment: This sequence change replaces valine, which is neutral and non-polar, with isoleucine, which is neutral and non-polar, at codon 3619 of the USH2A protein (p.Val3619Ile). This variant is present in population databases (rs55967206, gnomAD 0.008%). This variant has not been reported in the literature in individuals affected with USH2A-related conditions. Algorithms developed to predict the effect of missense changes on protein structure and function output the following: SIFT: "Tolerated"; PolyPhen-2: "Benign"; Align-GVGD: "Class C0". The isoleucine amino acid residue is found in multiple mammalian species, which suggests that this missense change does not adversely affect protein function. In summary, the available evidence is currently insufficient to determine the role of this variant in disease. Therefore, it has been classified as a Variant of Uncertain Significance.

NM_206933.4(USH2A):c.10855G>A (p.Val3619Ile)

Gene: USH2A (usherin; minus strand). Cytogenetic location: 1q41.
Variant type: single nucleotide variant.
Coding change: c.10855G>A on transcript NM_206933.4 (MANE Select); coding-DNA position 10855, G replaced by A.
Protein change: p.Val3619Ile; replaces valine 3619 with isoleucine.
Molecular consequence: missense variant.
Genome position (GRCh38, 1-based): chr1:215,779,927, C>T on the plus strand (G>A on the coding strand, the complement: USH2A is on the minus strand). VCF-style: chr1-215779927-C-T. GRCh37 (hg19) VCF-style: chr1-215953269-C-T.
Other names: c.10855G>A (NM_206933.2); short protein forms V3619I.
Identifiers: ClinVar variation 2162681 (VCV002162681.3), dbSNP rs55967206, ClinGen allele CA1393904.